The following is an entry in ClinVar:

NM_007078.3(LDB3):c.2104G>T (p.Val702Leu)

Gene: LDB3 (LIM domain binding 3; plus strand). Cytogenetic location: 10q23.2.
Variant type: single nucleotide variant.
Coding change: c.2104G>T on transcript NM_007078.3 (MANE Select); coding-DNA position 2104, G replaced by T.
Protein change: p.Val702Leu; replaces valine 702 with leucine.
Molecular consequence: missense variant.
Genome position (GRCh38, 1-based): chr10:86,732,896, G>T. VCF-style: chr10-86732896-G-T. GRCh37 (hg19) VCF-style: chr10-88492653-G-T.
Other names: c.2119G>T, p.Val707Leu (NM_001171610.2); c.1915G>T, p.Val639Leu (NM_001368064.1, NM_001368065.1); c.1963G>T, p.Val655Leu (NM_001368066.1); c.1774G>T, p.Val592Leu (NM_001080114.2); short protein forms V702L, V707L, V639L, V592L, V655L.
Identifiers: ClinVar variation 532922 (VCV000532922.8), dbSNP rs773235586, ClinGen allele CA5585359.

ClinVar aggregate classification (germline): Uncertain significance. Review status: criteria provided, multiple submitters, no conflicts (2 of 4 stars). 2 submissions from 2 submitters: Uncertain significance (2). Last evaluated 2024-10-07.

Conditions:
Myofibrillar myopathy 4. Also called: Zaspopathy (type). Identifiers: Orphanet 98912, MedGen C4721886, MONDO:0012277, OMIM 609452.

Allele frequency attached by ClinVar (database versions not stated): gnomAD exomes below 0.00001; ExAC 0.00001; TOPMed 0.00001.
gnomAD v4.1: 1 of 1,613,676 alleles (0.000062%); highest among the groups gnomAD compares: Admixed American, 0.0017%; no homozygotes.

Submissions (2):

Women's Health and Genetics/Laboratory Corporation of America, LabCorp
Classification: Uncertain significance. Last evaluated: 2024-10-07. Review status: criteria provided, single submitter. Criteria: LabCorp Variant Classification Summary - May 2015. Collection method: clinical testing. Allele origin: germline.
Comment: Variant summary: LDB3 c.2104G>T (p.Val702Leu) results in a conservative amino acid change located in the Zinc finger, LIM-type domain (IPR001781) of the encoded protein sequence. Four of five in-silico tools predict a benign effect of the variant on protein function. The variant allele was found at a frequency of 4e-06 in 250174 control chromosomes. The available data on variant occurrences in the general population are insufficient to allow any conclusion about variant significance. c.2104G>T has been reported in the literature in at least one individual affected with Dilated Cardiomyopathy (Rieger_2019). These report(s) do not provide unequivocal conclusions about association of the variant with Dilated Cardiomyopathy. To our knowledge, no experimental evidence demonstrating an impact on protein function has been reported. The following publication has been ascertained in the context of this evaluation (PMID: 31648988). ClinVar contains an entry for this variant (Variation ID: 532922). Based on the evidence outlined above, the variant was classified as uncertain significance.

Labcorp Genetics (formerly Invitae), Labcorp
Classification: Uncertain significance for Myofibrillar myopathy 4. Last evaluated: 2022-11-08. Review status: criteria provided, single submitter. Criteria: Invitae Variant Classification Sherloc (09022015). Collection method: clinical testing. Allele origin: germline.
Comment: This sequence change replaces valine, which is neutral and non-polar, with leucine, which is neutral and non-polar, at codon 702 of the LDB3 protein (p.Val702Leu). The LDB3 gene has multiple clinically relevant transcripts. This variant occurs in alternate transcript NM_007078.3, and corresponds to NM_001080116.1:c.*33522G>T in the primary transcript. This variant is present in population databases (rs773235586, gnomAD 0.003%). In summary, the available evidence is currently insufficient to determine the role of this variant in disease. Therefore, it has been classified as a Variant of Uncertain Significance. Experimental studies and prediction algorithms are not available or were not evaluated, and the functional significance of this variant is currently unknown. This variant has not been reported in the literature in individuals affected with LDB3-related conditions.

Literature cited by the submitters: PubMed 31648988 (cited by Women's Health and Genetics/Laboratory Corporation of America, LabCorp).